The following is an entry in ClinVar:

ClinVar aggregate classification (germline): Uncertain significance (1 of 4 stars; one submission).

Conditions:
Familial cancer of breast. Also called: hereditary breast carcinoma; Hereditary breast cancer; BREAST CANCER, FAMILIAL. Identifiers: Orphanet 227535, MedGen C0346153, MONDO:0016419, OMIM 114480. Disease mechanism: loss of function.
Fanconi anemia complementation group J. Also called: BRIP1-Related Fanconi Anemia. Identifiers: Orphanet 84, MedGen C1836860, MONDO:0012187, OMIM 609054.

Submission:

Labcorp Genetics (formerly Invitae), Labcorp
Classification: Uncertain significance for Familial cancer of breast; Fanconi anemia complementation group J. Last evaluated: 2025-07-15. Review status: criteria provided, single submitter. Criteria: Invitae Variant Classification Sherloc (09022015). Collection method: clinical testing. Allele origin: germline.
Comment: This sequence change creates a premature translational stop signal (p.Asn994Glnfs*8) in the BRIP1 gene. While this is not anticipated to result in nonsense mediated decay, it is expected to disrupt the last 256 amino acid(s) of the BRIP1 protein. This variant is not present in population databases (gnomAD no frequency). This variant has not been reported in the literature in individuals affected with BRIP1-related conditions. ClinVar contains an entry for this variant (Variation ID: 1511429). In summary, the available evidence is currently insufficient to determine the role of this variant in disease. Therefore, it has been classified as a Variant of Uncertain Significance.

NM_032043.3(BRIP1):c.2978dup (p.Asn994fs)

Gene: BRIP1 (BRCA1 interacting DNA helicase 1; minus strand). Cytogenetic location: 17q23.2.
Variant type: Duplication.
Coding change: c.2978dup on transcript NM_032043.3 (MANE Select); coding-DNA position 2978, one base duplicated (T; older notation c.2978dupT).
Protein change: p.Asn994fs; shifts the reading frame from asparagine 994.
Molecular consequence: frameshift variant.
Genome position (GRCh38, 1-based): chr17:61,684,068, A duplicated on the plus strand (T on the coding strand, the reverse complement: BRIP1 is on the minus strand); the first of 3 consecutive A bases (chr17:61,684,068-61,684,070); duplicating any one gives the same sequence. VCF-style (leftmost placement, unchanged base first): chr17-61684067-G-GA. GRCh37 (hg19) VCF-style: chr17-59761428-G-GA.
Other names: short protein forms N994fs.
Identifiers: ClinVar variation 1511429 (VCV001511429.7), dbSNP rs2144092520, ClinGen allele CA2573154348.
Genomic context (GRCh38, chr17:61,684,067, plus strand): 5'-AGTAAAATACTGTCCCAAAGAATTAAAGCTTGACCAGCTAACTCTCTTTGTTTGTTTGTT[G>GA]AAAGTTGGGCTTGTGGATCTGGAAATCACAATTTTTTCTGCTTTCCCTGCTTCTTCCAGG-3'